The following is an entry in ClinVar:

ClinVar aggregate classification (germline): Uncertain significance (1 of 4 stars; one submission).

Submission:

Ambry Genetics
Classification: Uncertain significance. Last evaluated: 2023-01-03. Review status: criteria provided, single submitter. Criteria: Ambry Variant Classification Scheme 2023. Collection method: clinical testing. Allele origin: germline.
Comment: The p.V1272L variant (also known as c.3814G>C), located in coding exon 4 of the ALPK2 gene, results from a G to C substitution at nucleotide position 3814. The valine at codon 1272 is replaced by leucine, an amino acid with highly similar properties. This amino acid position is conserved. In addition, this alteration is predicted to be tolerated by in silico analysis. Since supporting evidence is limited at this time, the clinical significance of this alteration remains unclear.

NM_052947.4(ALPK2):c.3814G>C (p.Val1272Leu)

Genes: ALPK2 (alpha kinase 2; minus strand), LOC126862764 (BRD4-independent group 4 enhancer GRCh37_chr18:56202574-56203773; plus strand). Cytogenetic location: 18q21.31.
Variant type: single nucleotide variant.
Coding change: c.3814G>C on transcript NM_052947.4 (MANE Select); coding-DNA position 3814, G replaced by C.
Protein change: p.Val1272Leu; replaces valine 1272 with leucine.
Molecular consequence: missense variant.
Genome position (GRCh38, 1-based): chr18:58,536,373, C>G on the plus strand (G>C on the coding strand, the complement: ALPK2 is on the minus strand). VCF-style: chr18-58536373-C-G. GRCh37 (hg19) VCF-style: chr18-56203605-C-G.
Other names: short protein forms V1272L.
Identifiers: ClinVar variation 2449251 (VCV002449251.2), dbSNP rs2051647737, ClinGen allele CA402565504.
Genomic context (GRCh38, chr18:58,536,373, plus strand): 5'-CAGAGGGGGCCAATTCAGGCACAACAGCATCTGCCTTTAGACTATCAGGTACAGCCCAGA[C>G]CTTGTCAGGAATTATGAGACCACCGTCTGATGCCTTGCTCTCAGAATTTGTCAGTTGTCG-3'
Protein context (NP_443179.3, residues 1262-1282): SDGGLIIPDK[Val1272Leu]WAVPDSLKAD